The following is an entry in ClinVar:

ClinVar aggregate classification (germline): Pathogenic/Likely pathogenic. Review status: criteria provided, multiple submitters, no conflicts (2 of 4 stars). 2 submissions from 2 submitters: Pathogenic (1); Likely pathogenic (1). Last evaluated 2026-05-27.

Conditions:
Polycystic kidney disease 2 (PKD2). Also called: POLYCYSTIC KIDNEY DISEASE, ADULT, TYPE II; Polycystic Kidney Disease 2, Autosomal Dominant; POLYCYSTIC KIDNEY DISEASE 2 WITH OR WITHOUT POLYCYSTIC LIVER DISEASE. Identifiers: MedGen C2751306, MONDO:0013131, OMIM 613095.

Submissions (2):

Women's Health and Genetics/Laboratory Corporation of America, LabCorp
Classification: Pathogenic for Polycystic kidney disease 2. Last evaluated: 2026-05-27. Review status: criteria provided, single submitter. Criteria: LabCorp Variant Classification Summary - May 2015. Collection method: clinical testing. Allele origin: germline.
Comment: Variant summary: PKD2 c.2019G>A (p.Leu673Leu) alters a conserved nucleotide located close to a canonical splice site and therefore could affect mRNA splicing, leading to a significantly altered protein sequence. Several computational tools predict a significant impact on normal splicing: Three predict the variant abolishes or weakens a canonical 5' splicing donor site. Four predict the variant creates a cryptic 3' acceptor site. At least one publication reports experimental evidence that this variant affects mRNA splicing (Ren_2026). The variant was absent in 250274 control chromosomes (gnomAD). c.2019G>A has been observed in individuals affected with PKD2-related conditions (Kimura_2023, Ren_2026). These data indicate that the variant is likely to be associated with disease. The following publications have been ascertained in the context of this evaluation (PMID: 37509056, 41523913). ClinVar contains an entry for this variant (Variation ID: 3591411). Based on the evidence outlined above, the variant was classified as pathogenic.

Fulgent Genetics
Classification: Likely pathogenic for Polycystic kidney disease 2. Last evaluated: 2024-06-05. Review status: criteria provided, single submitter. Criteria: ACMG Guidelines, 2015. Collection method: clinical testing. Allele origin: germline.

Literature cited by the submitters: PubMed 37509056 (cited by Women's Health and Genetics/Laboratory Corporation of America, LabCorp); PubMed 41523913 (cited by Women's Health and Genetics/Laboratory Corporation of America, LabCorp).

NM_000297.4(PKD2):c.2019G>A (p.Leu673=)

Gene: PKD2 (polycystin 2, transient receptor potential cation channel; plus strand). Cytogenetic location: 4q22.1.
Variant type: single nucleotide variant.
Coding change: c.2019G>A on transcript NM_000297.4 (MANE Select); coding-DNA position 2019, G replaced by A.
Protein change: p.Leu673=; no amino-acid change (leucine 673 retained).
Molecular consequence: synonymous variant.
Genome position (GRCh38, 1-based): chr4:88,058,103, G>A. VCF-style: chr4-88058103-G-A. GRCh37 (hg19) VCF-style: chr4-88979255-G-A.
Identifiers: ClinVar variation 3591411 (VCV003591411.2).